The following is an entry in ClinVar:

ClinVar aggregate classification (germline): Pathogenic. Review status: criteria provided, multiple submitters, no conflicts (2 of 4 stars). 5 submissions from 5 submitters: Pathogenic (3). 2 of the submissions do not count toward it. Last evaluated 2023-08-10.

Conditions:
Cone-rod dystrophy 2 (CORD2). Also called: Cone-rod retinal dystrophy 2; CONE-ROD RETINAL DYSTROPHY. Identifiers: Orphanet 1872, MedGen C3489532, MONDO:0007362, OMIM 120970.
Leber congenital amaurosis 7 (LCA7). Identifiers: Orphanet 65, MedGen C3151192, MONDO:0013449, OMIM 613829.

Submissions (5):

Labcorp Genetics (formerly Invitae), Labcorp
Classification: Pathogenic for Cone-rod dystrophy 2; Leber congenital amaurosis 7. Last evaluated: 2023-08-10. Review status: criteria provided, single submitter. Criteria: Invitae Variant Classification Sherloc (09022015). Collection method: clinical testing. Allele origin: germline.
Comment: This sequence change replaces glutamic acid, which is acidic and polar, with alanine, which is neutral and non-polar, at codon 80 of the CRX protein (p.Glu80Ala). This variant is not present in population databases (gnomAD no frequency). This missense change has been observed in individual(s) with autosomal dominant cone-rod dystrophy (PMID: 9390563). It has also been observed to segregate with disease in related individuals. ClinVar contains an entry for this variant (Variation ID: 7416). Advanced modeling of protein sequence and biophysical properties (such as structural, functional, and spatial information, amino acid conservation, physicochemical variation, residue mobility, and thermodynamic stability) performed at Invitae indicates that this missense variant is expected to disrupt CRX protein function. Experimental studies have shown that this missense change affects CRX function (PMID: 11971869). For these reasons, this variant has been classified as Pathogenic.

GeneDx
Classification: Pathogenic. Last evaluated: 2023-05-23. Review status: criteria provided, single submitter. Criteria: GeneDx Variant Classification Process June 2021. Collection method: clinical testing. Allele origin: germline. Affected: yes.
Comment: Published functional studies demonstrate a damaging effect on photoreceptor development (Terrell et al., 2012); In silico analysis supports that this missense variant has a deleterious effect on protein structure/function; Not observed at significant frequency in large population cohorts (gnomAD); This variant is associated with the following publications: (PMID: 25525159, 27013732, 36778408, Sun[MeetingAbstract]2022, 37181651, 11971869, 24888636, 10967037, 12215455, 9390563, 9792858, 22113834, 31626798)

Institute of Medical Genetics and Applied Genomics, University Hospital Tübingen
Classification: Pathogenic. Last evaluated: 2020-10-23. Review status: criteria provided, single submitter. Criteria: ACMG Guidelines, 2015. Collection method: clinical testing. Allele origin: germline. Inheritance: Autosomal dominant inheritance. Affected: yes.

OMIM
Classification: Pathogenic for CONE-ROD DYSTROPHY 2. Last evaluated: 1997-11-14. Review status: no assertion criteria provided. Collection method: literature only. Allele origin: germline. Not counted in ClinVar's aggregate classification.

Retina International
No classification provided. Review status: no classification provided. Collection method: not provided. Allele origin: not provided. Not counted in ClinVar's aggregate classification.

Literature cited by the submitters: PubMed 9390563 (cited by Labcorp Genetics (formerly Invitae), Labcorp and OMIM); PubMed 11971869 (cited by Labcorp Genetics (formerly Invitae), Labcorp).

NM_000554.6(CRX):c.239A>C (p.Glu80Ala)

Gene: CRX (cone-rod homeobox; plus strand). Cytogenetic location: 19q13.33.
Variant type: single nucleotide variant.
Coding change: c.239A>C on transcript NM_000554.6 (MANE Select); coding-DNA position 239, A replaced by C.
Protein change: p.Glu80Ala; replaces glutamic acid 80 with alanine.
Molecular consequence: missense variant.
Genome position (GRCh38, 1-based): chr19:47,836,381, A>C. VCF-style: chr19-47836381-A-C. GRCh37 (hg19) VCF-style: chr19-48339638-A-C.
Other names: short protein forms E80A.
Identifiers: ClinVar variation 7416 (VCV000007416.12), dbSNP rs104894671, ClinGen allele CA118789.